The following is an entry in ClinVar:

NM_000179.3(MSH6):c.3647-14T>G

Gene: MSH6 (mutS homolog 6; plus strand). Cytogenetic location: 2p16.3.
Variant type: single nucleotide variant.
Coding change: c.3647-14T>G on transcript NM_000179.3 (MANE Select); 14 bases into the intron before coding-DNA position 3647, T replaced by G.
Molecular consequence: intron variant.
Genome position (GRCh38, 1-based): chr2:47,806,190, T>G. VCF-style: chr2-47806190-T-G. GRCh37 (hg19) VCF-style: chr2-48033329-T-G.
Other names: c.3647-14T>G (NM_001406809.1, NM_001406796.1, NM_001406808.1 and 1 more transcripts); c.2741-14T>G (NM_001406811.1, NM_001406814.1, NM_001281493.2 and 6 more transcripts); c.3350-14T>G (NM_001406805.1, NM_001406797.1, NM_001406801.1 and 10 more transcripts); c.3743-14T>G (NM_001406795.1, NM_001406802.1); c.3653-14T>G (NM_001406813.1); c.3122-14T>G (NM_001406807.1, NM_001406799.1, NM_001406806.1); c.3473-14T>G (NM_001406798.1); c.2783-14T>G (NM_001406803.1); and 7 more.
Identifiers: ClinVar variation 3069993 (VCV003069993.1), dbSNP rs2104535824, ClinGen allele CA2825001132.

ClinVar aggregate classification (germline): Uncertain significance (1 of 4 stars; one submission).

Conditions:
Lynch syndrome. Identifiers: Orphanet 144, MedGen C4552100, MONDO:0005835. Disease mechanism: loss of function.

Submission:

All of Us Research Program, National Institutes of Health
Classification: Uncertain significance for Lynch syndrome. Last evaluated: 2023-03-23. Review status: criteria provided, single submitter. Criteria: ACMG Guidelines, 2015. Collection method: clinical testing. Allele origin: germline. Inheritance: Autosomal dominant inheritance. Observed: 1 variant allele, 1 heterozygote.
Comment: This variant causes a T to G nucleotide substitution at the -14 position of intron 7 of the MSH6 gene. Splice site prediction tools are inconclusive regarding the impact of this variant on RNA splicing. To our knowledge, functional studies have not been reported for this variant. This variant has not been reported in individuals affected with MSH6-related disorders in the literature. This variant has not been identified in the general population by the Genome Aggregation Database (gnomAD). The available evidence is insufficient to determine the role of this variant in disease conclusively. Therefore, this variant is classified as a Variant of Uncertain Significance.

This study involves interpretation of variants in research participants for the purpose of population health screening. Participant phenotype was not available at the time of variant classification. Additional details can be found in publication PMID: 35346344, PMCID: PMC8962531